The following is an entry in ClinVar:

NM_000210.4(ITGA6):c.2768A>C (p.Tyr923Ser)

Genes: ITGA6 (integrin subunit alpha 6; plus strand), PDK1-AS1 (PDK1 and ITGA6 antisense RNA 1; minus strand). Cytogenetic location: 2q31.1.
Variant type: single nucleotide variant.
Coding change: c.2768A>C on transcript NM_000210.4 (MANE Select); coding-DNA position 2768, A replaced by C.
Protein change: p.Tyr923Ser; replaces tyrosine 923 with serine.
Molecular consequence: missense variant. On other transcripts: non-coding transcript variant (11).
Genome position (GRCh38, 1-based): chr2:172,491,112, A>C. VCF-style: chr2-172491112-A-C. GRCh37 (hg19) VCF-style: chr2-173355840-A-C.
Other names: c.2768A>C, p.Tyr923Ser (NM_001079818.3); c.2411A>C, p.Tyr804Ser (NM_001316306.2); c.2723A>C, p.Tyr908Ser (NM_001365529.2, NM_001365530.2); c.2885A>C, p.Tyr962Ser (NM_001394928.1); short protein forms Y804S, Y908S, Y923S, Y962S.
Identifiers: ClinVar variation 4804095 (VCV004804095.1).

ClinVar aggregate classification (germline): Uncertain significance (1 of 4 stars; one submission).

Submission:

Labcorp Genetics (formerly Invitae), Labcorp
Classification: Uncertain significance. Last evaluated: 2025-03-10. Review status: criteria provided, single submitter. Criteria: Invitae Variant Classification Sherloc (09022015). Collection method: clinical testing. Allele origin: germline.
Comment: This sequence change replaces tyrosine, which is neutral and polar, with serine, which is neutral and polar, at codon 923 of the ITGA6 protein (p.Tyr923Ser). This variant is not present in population databases (gnomAD no frequency). This variant has not been reported in the literature in individuals affected with ITGA6-related conditions. Invitae Evidence Modeling of protein sequence and biophysical properties (such as structural, functional, and spatial information, amino acid conservation, physicochemical variation, residue mobility, and thermodynamic stability) indicates that this missense variant is not expected to disrupt ITGA6 protein function with a negative predictive value of 80%. In summary, the available evidence is currently insufficient to determine the role of this variant in disease. Therefore, it has been classified as a Variant of Uncertain Significance.